The following is an entry in ClinVar:

ClinVar aggregate classification (germline): Benign. Review status: criteria provided, multiple submitters, no conflicts (2 of 4 stars). 2 submissions from 2 submitters: Benign (2). Last evaluated 2018-01-13.

Conditions:
Glanzmann thrombasthenia. Also called: PLATELET GLYCOPROTEIN IIb-IIIa DEFICIENCY; Thrombasthenia; Glanzmann's thrombasthenia; BLEEDING DISORDER, PLATELET-TYPE, 2; THROMBASTHENIA OF GLANZMANN AND NAEGELI. Identifiers: Orphanet 849, MedGen C0040015, MONDO:0100326.

Allele frequency attached by ClinVar (database versions not stated): 1000 Genomes Project 0.01538; 1000 Genomes Project 30x 0.01562; TOPMed 0.03426; gnomAD exomes 0.04103.
gnomAD v4.1: 5,802 of 163,764 alleles (3.5%); highest among the groups gnomAD compares: Non-Finnish European, 5.4%; 179 homozygotes.

Submissions (2):

Illumina Laboratory Services, Illumina
Classification: Benign for Glanzmann thrombasthenia 1. Last evaluated: 2018-01-13. Review status: criteria provided, single submitter. Criteria: ICSL Variant Classification Criteria 13 December 2019. Collection method: clinical testing. Allele origin: germline.
Comment: This variant was observed in the ICSL laboratory as part of a predisposition screen in an ostensibly healthy population. It had not been previously curated by ICSL or reported in the Human Gene Mutation Database (HGMD: prior to June 1st, 2018), and was therefore a candidate for classification through an automated scoring system. Utilizing variant allele frequency, disease prevalence and penetrance estimates, and inheritance mode, an automated score was calculated to assess if this variant is too frequent to cause the disease. Based on the score and internal cut-off values, a variant classified as benign is not then subjected to further curation. The score for this variant resulted in a classification of benign for this disease.

Breakthrough Genomics
Classification: Benign. Review status: criteria provided, single submitter. Criteria: ACMG Guidelines, 2015. Collection method: not provided. Allele origin: germline. Inheritance: Autosomal recessive inheritance. Affected: yes.

NM_000212.3(ITGB3):c.*639G>A

Genes: EFCAB13-DT (EFCAB13 divergent transcript; minus strand), ITGB3 (integrin subunit beta 3; plus strand). Cytogenetic location: 17q21.32.
Variant type: single nucleotide variant.
Coding change: c.*639G>A on transcript NM_000212.3 (MANE Select); 639 bases downstream of the stop codon, G replaced by A.
Molecular consequence: 3 prime UTR variant.
Genome position (GRCh38, 1-based): chr17:47,310,843, G>A. VCF-style: chr17-47310843-G-A. GRCh37 (hg19) VCF-style: chr17-45388209-G-A.
Identifiers: ClinVar variation 323883 (VCV000323883.6), dbSNP rs17225109, ClinGen allele CA10639977.